The following is an entry in ClinVar:

NM_001854.4(COL11A1):c.3106G>C (p.Gly1036Arg)

Gene: COL11A1 (collagen type XI alpha 1 chain; minus strand). Cytogenetic location: 1p21.1.
Variant type: single nucleotide variant.
Coding change: c.3106G>C on transcript NM_001854.4 (MANE Select); coding-DNA position 3106, G replaced by C.
Protein change: p.Gly1036Arg; replaces glycine 1036 with arginine.
Molecular consequence: missense variant. On other transcripts: non-coding transcript variant (1).
Genome position (GRCh38, 1-based): chr1:102,962,184, C>G on the plus strand (G>C on the coding strand, the complement: COL11A1 is on the minus strand). VCF-style: chr1-102962184-C-G. GRCh37 (hg19) VCF-style: chr1-103427740-C-G.
Other names: c.2989G>C, p.Gly997Arg (NM_001190709.2); c.3142G>C, p.Gly1048Arg (NM_080629.3); c.2758G>C, p.Gly920Arg (NM_080630.4); c.3106G>C (NM_001854.3); short protein forms G1048R, G920R, G1036R, G997R.
Identifiers: ClinVar variation 4707351 (VCV004707351.2).

ClinVar aggregate classification (germline): Conflicting classifications of pathogenicity. Review status: criteria provided, conflicting classifications (1 of 4 stars). 2 submissions from 2 submitters: Uncertain significance (1); Likely benign (1). Last evaluated 2025-12-07.

Conditions:
COL11A1-related disorder. Also called: COL11A1-related disorders; COL11A1-related condition.

Submissions (2):

PreventionGenetics, part of Exact Sciences
Classification: Uncertain significance for COL11A1-related condition. Last evaluated: 2025-12-07. Review status: criteria provided, single submitter. Criteria: ACMG Guidelines, 2015. Collection method: clinical testing. Allele origin: germline.
Comment: The COL11A1 c.3106G>C variant is predicted to result in the amino acid substitution p.Gly1036Arg. To our knowledge, this variant has not been reported in the literature. This variant is reported in 0.0040% of alleles in individuals of African descent in gnomAD. At this time, the clinical significance of this variant is uncertain due to the absence of conclusive functional and genetic evidence.

Labcorp Genetics (formerly Invitae), Labcorp
Classification: Likely benign. Last evaluated: 2025-05-02. Review status: criteria provided, single submitter. Criteria: Invitae Variant Classification Sherloc (09022015). Collection method: clinical testing. Allele origin: germline.